The following is an entry in ClinVar:

NM_000264.5(PTCH1):c.4204C>T (p.Pro1402Ser)

Gene: PTCH1 (patched 1; minus strand). Cytogenetic location: 9q22.32.
Variant type: single nucleotide variant.
Coding change: c.4204C>T on transcript NM_000264.5 (MANE Select); coding-DNA position 4204, C replaced by T.
Protein change: p.Pro1402Ser; replaces proline 1402 with serine.
Molecular consequence: missense variant. On other transcripts: non-coding transcript variant (1).
Genome position (GRCh38, 1-based): chr9:95,447,052, G>A on the plus strand (C>T on the coding strand, the complement: PTCH1 is on the minus strand). VCF-style: chr9-95447052-G-A. GRCh37 (hg19) VCF-style: chr9-98209334-G-A.
Other names: c.4006C>T, p.Pro1336Ser (NM_001083602.3); c.4201C>T, p.Pro1401Ser (NM_001083603.3); c.3751C>T, p.Pro1251Ser (NM_001083604.3, NM_001083605.3, NM_001083606.3 and 1 more transcripts); c.4048C>T, p.Pro1350Ser (NM_001354918.2); short protein forms P1402S, P1251S, P1336S, P1350S, P1401S.
Identifiers: ClinVar variation 1738681 (VCV001738681.2), dbSNP rs2136573414, ClinGen allele CA374110123.

ClinVar aggregate classification (germline): Uncertain significance (1 of 4 stars; one submission).

Conditions:
Hereditary cancer-predisposing syndrome. Also called: Hereditary Cancer Syndrome; Hereditary neoplastic syndrome; Neoplastic Syndromes, Hereditary; Tumor predisposition. Identifiers: Orphanet 140162, MedGen C0027672, MeSH D009386, MONDO:0015356.

Submission:

Ambry Genetics
Classification: Uncertain significance for Hereditary cancer-predisposing syndrome. Last evaluated: 2022-08-12. Review status: criteria provided, single submitter. Criteria: Ambry Variant Classification Scheme 2023. Collection method: clinical testing. Allele origin: germline.
Comment: The p.P1402S variant (also known as c.4204C>T), located in coding exon 23 of the PTCH1 gene, results from a C to T substitution at nucleotide position 4204. The proline at codon 1402 is replaced by serine, an amino acid with similar properties. This amino acid position is conserved. In addition, this alteration is predicted to be tolerated by in silico analysis. Since supporting evidence is limited at this time, the clinical significance of this alteration remains unclear.